The following is an entry in ClinVar:

NM_000138.5(FBN1):c.806T>C (p.Phe269Ser)

Gene: FBN1 (fibrillin 1; minus strand). Cytogenetic location: 15q21.1.
Variant type: single nucleotide variant.
Coding change: c.806T>C on transcript NM_000138.5 (MANE Select); coding-DNA position 806, T replaced by C.
Protein change: p.Phe269Ser; replaces phenylalanine 269 with serine.
Molecular consequence: missense variant.
Genome position (GRCh38, 1-based): chr15:48,534,136, A>G on the plus strand (T>C on the coding strand, the complement: FBN1 is on the minus strand). VCF-style: chr15-48534136-A-G. GRCh37 (hg19) VCF-style: chr15-48826333-A-G.
Other names: short protein forms F269S.
Identifiers: ClinVar variation 925903 (VCV000925903.16), dbSNP rs951026080, ClinGen allele CA269573077.

ClinVar aggregate classification (germline): Uncertain significance. Review status: criteria provided, multiple submitters, no conflicts (2 of 4 stars). 5 submissions from 5 submitters: Uncertain significance (5). Last evaluated 2024-04-25.

Conditions:
Familial thoracic aortic aneurysm and aortic dissection (TAAD). Also called: Thoracic aortic aneurysms and dissections. Identifiers: Orphanet 91387, MedGen C4707243, MONDO:0019625.
Marfan syndrome (MFS). Also called: Marfan syndrome, classic; Marfan syndrome type 1; Marfan's syndrome; FBN1-Related Marfan Syndrome; MARFAN SYNDROME, TYPE I. Identifiers: Orphanet 284963, Orphanet 558, MedGen C0024796, MONDO:0007947, OMIM 154700.
Weill-Marchesani syndrome 2, dominant. Also called: FBN1-Related Weill-Marchesani Syndrome; Weill-Marchesani Syndrome, Autosomal Dominant. Identifiers: Orphanet 2084, MedGen C1869115, MONDO:0012013, OMIM 608328.
Progeroid and marfanoid aspect-lipodystrophy syndrome. Also called: MARFANOID-PROGEROID SYNDROME; MARFAN-PROGEROID-LIPODYSTROPHY SYNDROME; Marfan lipodystrophy syndrome; MARFANOID-PROGEROID-LIPODYSTROPHY SYNDROME. Identifiers: Orphanet 300382, MedGen C4310796, MONDO:0014831, OMIM 616914.
Acromicric dysplasia (ACMICD). Also called: Acromicric skeletal dysplasia. Identifiers: Orphanet 969, MedGen C0265287, MONDO:0007055, OMIM 102370.
Ectopia lentis 1, isolated, autosomal dominant (ECTOL1). Identifiers: Orphanet 1885, MedGen C3541518, MONDO:0007514, OMIM 129600.
Geleophysic dysplasia 2 (GPHYSD2). Identifiers: Orphanet 2623, MedGen C3280054, MONDO:0013612, OMIM 614185.
MASS syndrome (OCTD). Also called: OVERLAP CONNECTIVE TISSUE DISEASE; MASS PHENOTYPE. Identifiers: MedGen C1858556, MONDO:0011431, OMIM 604308.
Stiff skin syndrome (SSKS). Identifiers: Orphanet 2833, MedGen C1861456, MONDO:0008492, OMIM 184900.

Allele frequency attached by ClinVar (database versions not stated): gnomAD exomes below 0.00001.
gnomAD v4.1: 2 of 1,614,042 alleles (0.00012%); highest among the groups gnomAD compares: Non-Finnish European, 0.00017%; no homozygotes.

Submissions (5):

All of Us Research Program, National Institutes of Health
Classification: Uncertain significance for Marfan syndrome. Last evaluated: 2024-04-25. Review status: criteria provided, single submitter. Criteria: ACMG Guidelines, 2015. Collection method: clinical testing. Allele origin: germline. Inheritance: Autosomal dominant inheritance. Observed: 2 variant alleles, 2 heterozygotes.
Comment: This missense variant replaces phenylalanine with serine at codon 269 of the FBN1 protein. Computational prediction suggests that this variant may have deleterious impact on protein structure and function (internally defined REVEL score threshold >= 0.7, PMID: 27666373). Splice site prediction tools suggest that this variant may not impact RNA splicing. To our knowledge, functional studies have not been performed for this variant. This variant has not been reported in individuals affected with cardiovascular disorders in the literature. This variant has been identified in 1/251478 chromosomes in the general population by the Genome Aggregation Database (gnomAD). The available evidence is insufficient to determine the role of this variant in disease conclusively. Therefore, this variant is classified as a Variant of Uncertain Significance.

This study involves interpretation of variants in research participants for the purpose of population health screening. Participant phenotype was not available at the time of variant classification. Additional details can be found in publication PMID: 35346344, PMCID: PMC8962531

Color Diagnostics, LLC DBA Color Health
Classification: Uncertain significance for Familial thoracic aortic aneurysm and aortic dissection. Last evaluated: 2024-04-12. Review status: criteria provided, single submitter. Criteria: ACMG Guidelines, 2015. Collection method: clinical testing. Allele origin: germline.
Comment: This missense variant replaces phenylalanine with serine at codon 269 of the FBN1 protein. Computational prediction tools indicate that this variant has a deleterious impact on protein structure and function. To our knowledge, functional studies have not been reported for this variant. This variant has not been reported in individuals affected with FBN1-related disorders in the literature. This variant has been identified in 1/251478 chromosomes in the general population by the Genome Aggregation Database (gnomAD). The available evidence is insufficient to determine the role of this variant in disease conclusively. Therefore, this variant is classified as a Variant of Uncertain Significance.

Labcorp Genetics (formerly Invitae), Labcorp
Classification: Uncertain significance for Marfan syndrome; Familial thoracic aortic aneurysm and aortic dissection. Last evaluated: 2023-11-03. Review status: criteria provided, single submitter. Criteria: Invitae Variant Classification Sherloc (09022015). Collection method: clinical testing. Allele origin: germline.
Comment: This sequence change replaces phenylalanine, which is neutral and non-polar, with serine, which is neutral and polar, at codon 269 of the FBN1 protein (p.Phe269Ser). This variant is present in population databases (no rsID available, gnomAD 0.0009%). This variant has not been reported in the literature in individuals affected with FBN1-related conditions. ClinVar contains an entry for this variant (Variation ID: 925903). Advanced modeling of protein sequence and biophysical properties (such as structural, functional, and spatial information, amino acid conservation, physicochemical variation, residue mobility, and thermodynamic stability) performed at Invitae indicates that this missense variant is expected to disrupt FBN1 protein function with a positive predictive value of 95%. In summary, the available evidence is currently insufficient to determine the role of this variant in disease. Therefore, it has been classified as a Variant of Uncertain Significance.

Fulgent Genetics
Classification: Uncertain significance for Acromicric dysplasia; Ectopia lentis 1, isolated, autosomal dominant; Marfan syndrome; Stiff skin syndrome; MASS syndrome; Weill-Marchesani syndrome 2, dominant; Geleophysic dysplasia 2; Progeroid and marfanoid aspect-lipodystrophy syndrome. Last evaluated: 2021-10-15. Review status: criteria provided, single submitter. Criteria: ACMG Guidelines, 2015. Collection method: clinical testing. Allele origin: unknown.

GeneDx
Classification: Uncertain significance. Last evaluated: 2020-01-20. Review status: criteria provided, single submitter. Criteria: GeneDx Variant Classification Process June 2021. Collection method: clinical testing. Allele origin: germline. Affected: yes.
Comment: Has not been previously published as pathogenic or benign to our knowledge; Not observed at a significant frequency in large population cohorts (Lek et al., 2016); In silico analysis, which includes protein predictors and evolutionary conservation, supports a deleterious effect